The following is an entry in ClinVar:

NM_006206.6(PDGFRA):c.1559-4G>C

Gene: PDGFRA (platelet derived growth factor receptor alpha; plus strand). Cytogenetic location: 4q12.
Variant type: single nucleotide variant.
Coding change: c.1559-4G>C on transcript NM_006206.6 (MANE Select); 4 bases into the intron before coding-DNA position 1559, G replaced by C.
Molecular consequence: intron variant.
Genome position (GRCh38, 1-based): chr4:54,274,527, G>C. VCF-style: chr4-54274527-G-C. GRCh37 (hg19) VCF-style: chr4-55140694-G-C.
Other names: c.1634-4G>C (NM_001347828.2); c.1559-4G>C (NM_001347827.2, NM_001347829.2); c.1598-4G>C (NM_001347830.2).
Identifiers: ClinVar variation 774029 (VCV000774029.17), dbSNP rs962273857, ClinGen allele CA915943054.
Genomic context (GRCh38, chr4:54,274,527, plus strand): 5'-CTTGCTGCCCCTGTGCATGTCTGCCAGGAAACTTTTCATTGTGCCTCTCTCTCTTGTCAC[G>C]TAGCCCTGCGTTCTGAACTCACGGTGGCTGCTGCAGTCCTGGTGCTGTTGGTGATTGTGA-3'

ClinVar aggregate classification (germline): Conflicting classifications of pathogenicity. Review status: criteria provided, conflicting classifications (1 of 4 stars). 3 submissions from 3 submitters: Uncertain significance (1); Likely benign (2). Last evaluated 2026-06-15.

Conditions:
Polyps, multiple and recurrent inflammatory fibroid, gastrointestinal. Identifiers: MedGen C5193005, MONDO:0008285, OMIM 175510.
Hereditary cancer-predisposing syndrome. Also called: Neoplastic Syndromes, Hereditary; Hereditary Cancer Syndrome; Hereditary neoplastic syndrome; Tumor predisposition. Identifiers: Orphanet 140162, MedGen C0027672, MeSH D009386, MONDO:0015356.
Gastrointestinal stromal tumor. Also called: Gastrointestinal stromal tumor, somatic; Gastrointestinal stroma tumor. Identifiers: Orphanet 44890, MedGen C0238198, MeSH D046152, MONDO:0011719, OMIM 606764, HP:0100723.

gnomAD v4.1: 1 of 1,609,334 alleles (0.000062%); highest among the groups gnomAD compares: Non-Finnish European, 0.000085%; no homozygotes.

Submissions (3):

Myriad Genetics, Inc.
Classification: Likely benign for Polyps, multiple and recurrent inflammatory fibroid, gastrointestinal. Last evaluated: 2026-06-15. Review status: criteria provided, single submitter. Criteria: Myriad Autosomal Dominant, Autosomal Recessive and X-Linked Classification Criteria (2023). Collection method: clinical testing. Allele origin: unknown.
Comment: This variant is considered likely benign. This variant is intronic and is not expected to impact mRNA splicing.

Labcorp Genetics (formerly Invitae), Labcorp
Classification: Likely benign for Gastrointestinal stromal tumor. Last evaluated: 2025-10-07. Review status: criteria provided, single submitter. Criteria: Invitae Variant Classification Sherloc (09022015). Collection method: clinical testing. Allele origin: germline.

Ambry Genetics
Classification: Uncertain significance for Hereditary cancer-predisposing syndrome. Last evaluated: 2025-01-08. Review status: criteria provided, single submitter. Criteria: Ambry Variant Classification Scheme 2023. Collection method: clinical testing. Allele origin: germline.
Comment: The c.1559-4G>C intronic variant results from a G to C substitution 4 nucleotides upstream from coding exon 10 in the PDGFRA gene. This nucleotide position is poorly conserved in available vertebrate species. In silico splice site analysis predicts that this alteration will not have any significant effect on splicing. Based on the available evidence, the clinical significance of this variant remains unclear.